The following is an entry in ClinVar:

ClinVar aggregate classification (germline): Uncertain significance. Review status: criteria provided, single submitter (1 of 4 stars). 2 submissions from 2 submitters: Uncertain significance (1). 1 of the submissions does not count toward it. Last evaluated 2025-10-01.

Conditions:
Familial dysautonomia. Also called: FD; HSAN III. Identifiers: Orphanet 1764, MedGen C0013364, MONDO:0009131, OMIM 223900. Disease mechanism: loss of function.

Submissions (2):

CeGaT Center for Human Genetics Tuebingen
Classification: Uncertain significance. Last evaluated: 2025-10-01. Review status: criteria provided, single submitter. Criteria: CeGaT Center For Human Genetics Tuebingen Variant Classification Criteria Version 2. Collection method: clinical testing. Allele origin: germline. Affected: yes. Observed: 1 variant allele.
Comment: ELP1: PM2, BP4

Natera, Inc.
Classification: Uncertain significance for Familial dysautonomia. Last evaluated: 2025-01-03. Review status: no assertion criteria provided. Collection method: clinical testing. Allele origin: germline. Not counted in ClinVar's aggregate classification.

NM_003640.5(ELP1):c.1616A>T (p.Asp539Val)

Gene: ELP1 (elongator acetyltransferase complex subunit 1; minus strand). Cytogenetic location: 9q31.3.
Variant type: single nucleotide variant.
Coding change: c.1616A>T on transcript NM_003640.5 (MANE Select); coding-DNA position 1616, A replaced by T.
Protein change: p.Asp539Val; replaces aspartic acid 539 with valine.
Molecular consequence: missense variant.
Genome position (GRCh38, 1-based): chr9:108,906,330, T>A on the plus strand (A>T on the coding strand, the complement: ELP1 is on the minus strand). VCF-style: chr9-108906330-T-A. GRCh37 (hg19) VCF-style: chr9-111668610-T-A.
Other names: c.1274A>T, p.Asp425Val (NM_001318360.2); c.569A>T, p.Asp190Val (NM_001330749.2); short protein forms D190V, D425V, D539V.
Identifiers: ClinVar variation 4067367 (VCV004067367.7).